The following is an entry in ClinVar:

ClinVar aggregate classification (germline): Likely benign (1 of 4 stars; one submission).

gnomAD v4.1: 1 of 1,602,014 alleles (0.000062%); highest among the groups gnomAD compares: Non-Finnish European, 0.000085%; no homozygotes.

Submission:

CeGaT Center for Human Genetics Tuebingen
Classification: Likely benign. Last evaluated: 2026-01-01. Review status: criteria provided, single submitter. Criteria: CeGaT Center For Human Genetics Tuebingen Variant Classification Criteria Version 2. Collection method: clinical testing. Allele origin: germline. Affected: yes. Observed: 1 variant allele.
Comment: CENPE: BP4, BP7

NM_001813.3(CENPE):c.5136T>C (p.Thr1712=)

Gene: CENPE (centromere protein E; minus strand). Cytogenetic location: 4q24.
Variant type: single nucleotide variant.
Coding change: c.5136T>C on transcript NM_001813.3 (MANE Select); coding-DNA position 5136, T replaced by C.
Protein change: p.Thr1712=; no amino-acid change (threonine 1712 retained).
Molecular consequence: synonymous variant.
Genome position (GRCh38, 1-based): chr4:103,144,340, A>G on the plus strand (T>C on the coding strand, the complement: CENPE is on the minus strand). VCF-style: chr4-103144340-A-G. GRCh37 (hg19) VCF-style: chr4-104065497-A-G.
Other names: c.5061T>C, p.Thr1687= (NM_001286734.2).
Identifiers: ClinVar variation 4822985 (VCV004822985.4).
Genomic context (GRCh38, chr4:103,144,340, plus strand): 5'-CTTAGGACTCAATGTCATAGTTACTAGAGGTGTAGAGAGATGGTAACTCACTCTAGTTAT[A>G]GTTTCTCTAAGGTTTTCCTTGAGCTGGTCTCTCTCTACTTTGAGAGTCTCCTCCACACTC-3'
Protein context (NP_001804.2, residues 1702-1722): RDQLKENLRE[Thr1712=]ITRDLEKQEE